The following is an entry in ClinVar:

NM_001347.4(DGKQ):c.2566G>A (p.Val856Met)

Gene: DGKQ (diacylglycerol kinase theta; minus strand). Cytogenetic location: 4p16.3.
Variant type: single nucleotide variant.
Coding change: c.2566G>A on transcript NM_001347.4 (MANE Select); coding-DNA position 2566, G replaced by A.
Protein change: p.Val856Met; replaces valine 856 with methionine.
Molecular consequence: missense variant.
Genome position (GRCh38, 1-based): chr4:961,475, C>T on the plus strand (G>A on the coding strand, the complement: DGKQ is on the minus strand). VCF-style: chr4-961475-C-T. GRCh37 (hg19) VCF-style: chr4-955263-C-T.
Other names: short protein forms V856M.
Identifiers: ClinVar variation 3052604 (VCV003052604.3), dbSNP rs201971574, ClinGen allele CA2799882.

ClinVar aggregate classification (germline): Benign. Review status: criteria provided, single submitter (1 of 4 stars). 2 submissions from 2 submitters: Benign (1). 1 of the submissions does not count toward it.

Conditions:
DGKQ-related disorder. Also called: DGKQ-related condition.

Allele frequency attached by ClinVar (database versions not stated): gnomAD 0.00028; 1000 Genomes Project 30x 0.00047; 1000 Genomes Project 0.00060; TOPMed 0.00077; ExAC 0.00142.
gnomAD v4.1: 374 of 1,598,178 alleles (0.023%); highest among the groups gnomAD compares: Admixed American, 0.58%; 7 homozygotes.

Submissions (2):

Breakthrough Genomics
Classification: Benign. Review status: criteria provided, single submitter. Criteria: ACMG Guidelines, 2015. Collection method: not provided. Allele origin: germline. Inheritance: Unknown mechanism. Affected: yes.

PreventionGenetics, part of Exact Sciences
Classification: Benign for DGKQ-related condition. Last evaluated: 2021-01-21. Review status: no assertion criteria provided. Collection method: clinical testing. Allele origin: germline. Not counted in ClinVar's aggregate classification.
Comment: This variant is classified as benign based on ACMG/AMP sequence variant interpretation guidelines (Richards et al. 2015 PMID: 25741868, with internal and published modifications).